The following is an entry in ClinVar:

NM_001271938.2(MEGF8):c.4277G>A (p.Gly1426Asp)

Gene: MEGF8 (multiple EGF like domains 8; plus strand). Cytogenetic location: 19q13.2.
Variant type: single nucleotide variant.
Coding change: c.4277G>A on transcript NM_001271938.2 (MANE Select); coding-DNA position 4277, G replaced by A.
Protein change: p.Gly1426Asp; replaces glycine 1426 with aspartic acid.
Molecular consequence: missense variant.
Genome position (GRCh38, 1-based): chr19:42,355,890, G>A. VCF-style: chr19-42355890-G-A. GRCh37 (hg19) VCF-style: chr19-42860042-G-A.
Other names: c.4076G>A, p.Gly1359Asp (NM_001410.3); short protein forms G1359D, G1426D.
Identifiers: ClinVar variation 4727502 (VCV004727502.1).

ClinVar aggregate classification (germline): Uncertain significance (1 of 4 stars; one submission).

Conditions:
MEGF8-related Carpenter syndrome. Also called: Carpenter syndrome 2. Identifiers: Orphanet 65759, MedGen C3554247, MONDO:0013998, OMIM 614976.

Submission:

Labcorp Genetics (formerly Invitae), Labcorp
Classification: Uncertain significance for MEGF8-related Carpenter syndrome. Last evaluated: 2025-09-20. Review status: criteria provided, single submitter. Criteria: Invitae Variant Classification Sherloc (09022015). Collection method: clinical testing. Allele origin: germline.
Comment: This sequence change replaces glycine, which is neutral and non-polar, with aspartic acid, which is acidic and polar, at codon 1359 of the MEGF8 protein (p.Gly1359Asp). This variant is not present in population databases (gnomAD no frequency). This variant has not been reported in the literature in individuals affected with MEGF8-related conditions. An algorithm developed to predict the effect of missense changes on protein structure and function (PolyPhen-2) suggests that this variant is likely to be tolerated. In summary, the available evidence is currently insufficient to determine the role of this variant in disease. Therefore, it has been classified as a Variant of Uncertain Significance.